The following is an entry in ClinVar:

ClinVar aggregate classification (germline): Pathogenic (1 of 4 stars; one submission).

Conditions:
Hereditary cancer-predisposing syndrome. Also called: Neoplastic Syndromes, Hereditary; Tumor predisposition; Hereditary Cancer Syndrome; Hereditary neoplastic syndrome. Identifiers: Orphanet 140162, MedGen C0027672, MeSH D009386, MONDO:0015356.

Submission:

Ambry Genetics
Classification: Pathogenic for Hereditary cancer-predisposing syndrome. Last evaluated: 2020-03-10. Review status: criteria provided, single submitter. Criteria: Ambry Variant Classification Scheme 2023. Collection method: clinical testing. Allele origin: germline.
Comment: The p.E1237* pathogenic mutation (also known as c.3709G>T), located in coding exon 8 of the MSH6 gene, results from a G to T substitution at nucleotide position 3709. This changes the amino acid from a glutamic acid to a stop codon within coding exon 8. This variant was not reported in population-based cohorts in the Genome Aggregation Database (gnomAD). This alteration is expected to result in loss of function by premature protein truncation or nonsense-mediated mRNA decay. As such, this alteration is interpreted as a disease-causing mutation.

NM_000179.3(MSH6):c.3709G>T (p.Glu1237Ter)

Gene: MSH6 (mutS homolog 6; plus strand). Cytogenetic location: 2p16.3.
Variant type: single nucleotide variant.
Coding change: c.3709G>T on transcript NM_000179.3 (MANE Select); coding-DNA position 3709, G replaced by T.
Protein change: p.Glu1237Ter; replaces glutamic acid 1237 with a stop codon.
Molecular consequence: nonsense.
Genome position (GRCh38, 1-based): chr2:47,806,266, G>T. VCF-style: chr2-47806266-G-T. GRCh37 (hg19) VCF-style: chr2-48033405-G-T.
Other names: c.3319G>T, p.Glu1107Ter (NM_001281492.2); c.2803G>T, p.Glu935Ter (NM_001281493.2, NM_001281494.2, NM_001406811.1 and 6 more transcripts); c.3805G>T, p.Glu1269Ter (NM_001406795.1, NM_001406802.1); c.3709G>T, p.Glu1237Ter (NM_001406796.1, NM_001406800.1, NM_001406808.1 and 1 more transcripts); c.3412G>T, p.Glu1138Ter (NM_001406797.1, NM_001406801.1, NM_001406805.1 and 10 more transcripts); c.3535G>T, p.Glu1179Ter (NM_001406798.1); c.3184G>T, p.Glu1062Ter (NM_001406799.1, NM_001406806.1, NM_001406807.1); c.2845G>T, p.Glu949Ter (NM_001406803.1); and 7 more; short protein forms E1062*, E1138*, E552*, E1107*, E1239*, E1269*, E1179*, E1211*.
Identifiers: ClinVar variation 1734172 (VCV001734172.2), dbSNP rs1670047042, ClinGen allele CA346760997.
Genomic context (GRCh38, chr2:47,806,266, plus strand): 5'-AGAGGTACTGCAACATTTGATGGGACGGCAATAGCAAATGCAGTTGTTAAAGAACTTGCT[G>T]AGACTATAAAATGTCGTACATTATTTTCAACTCACTACCATTCATTAGTAGAAGATTATT-3'